The following is an entry in ClinVar:

ClinVar aggregate classification (germline): Pathogenic (0 of 4 stars; one submission).

Conditions:
Carcinoma of colon (CRC). Also called: Colon carcinoma; Colonic carcinoma. Identifiers: MedGen C0699790, MONDO:0002032.

Submission:

Department of Pathology and Laboratory Medicine, Sinai Health System
Classification: Pathogenic for Carcinoma of colon. Review status: no assertion criteria provided. Collection method: clinical testing. Allele origin: unknown. Affected: yes. Study: The Canadian Open Genetics Repository (COGR).
Comment: The p.Met730GlnfsX6 insertion variant was not previously identified in the literature nor by our laboratory. It is predicted to cause a frameshift, which alters the protein's amino acid sequence beginning at codon 730 and leading to a premature stop codon 6 codons downstream. This alteration is then predicted to result in a truncated or absent protein and loss of function. Loss of function variants of the APC gene are an established mechanism of familial adenomatous polyposis and is the type of DNA alteration expected to cause the disorder. In summary, based on the above information this variant is classified as pathogenic.

NM_000038.6(APC):c.2186_2187insGCAGCTT (p.Met730fs)

Gene: APC (APC regulator of Wnt signaling pathway; plus strand). Cytogenetic location: 5q22.2.
Variant type: Insertion.
Coding change: c.2186_2187insGCAGCTT on transcript NM_000038.6 (MANE Select); coding-DNA positions 2186 to 2187, GCAGCTT inserted.
Protein change: p.Met730fs; shifts the reading frame from methionine 730.
Molecular consequence: frameshift variant.
Genome position: GRCh38 VCF-style: chr5-112837779-C-CTGCAGCT. GRCh37 (hg19) VCF-style: chr5-112173476-C-CTGCAGCT.
Other names: c.2186_2187insGCAGCTT, p.Met730fs (NM_001127510.3, NM_001354895.2); c.2132_2133insGCAGCTT, p.Met712fs (NM_001127511.3); c.2240_2241insGCAGCTT, p.Met748fs (NM_001354896.2); c.2216_2217insGCAGCTT, p.Met740fs (NM_001354897.2); c.2111_2112insGCAGCTT, p.Met705fs (NM_001354898.2); c.2102_2103insGCAGCTT, p.Met702fs (NM_001354899.2); c.2063_2064insGCAGCTT, p.Met689fs (NM_001354900.2); c.2009_2010insGCAGCTT, p.Met671fs (NM_001354901.2); and 5 more; short protein forms M604fs, M689fs, M730fs, M671fs, M712fs, M740fs, M748fs, M447fs.
Identifiers: ClinVar variation 433632 (VCV000433632.2), dbSNP rs1554083998, ClinGen allele CA645372779.